The following is an entry in ClinVar:

NM_014225.6(PPP2R1A):c.238G>A (p.Val80Met)

Gene: PPP2R1A (protein phosphatase 2 scaffold subunit Aalpha; plus strand). Cytogenetic location: 19q13.41.
Variant type: single nucleotide variant.
Coding change: c.238G>A on transcript NM_014225.6 (MANE Select); coding-DNA position 238, G replaced by A.
Protein change: p.Val80Met; replaces valine 80 with methionine.
Molecular consequence: missense variant. On other transcripts: 5 prime UTR variant (1).
Genome position (GRCh38, 1-based): chr19:52,206,031, G>A. VCF-style: chr19-52206031-G-A. GRCh37 (hg19) VCF-style: chr19-52709284-G-A.
Other names: c.-300G>A (NM_001363656.2); short protein forms V80M.
Identifiers: ClinVar variation 3632635 (VCV003632635.2).

ClinVar aggregate classification (germline): Uncertain significance (1 of 4 stars; one submission).

Submission:

Labcorp Genetics (formerly Invitae), Labcorp
Classification: Uncertain significance. Last evaluated: 2024-03-03. Review status: criteria provided, single submitter. Criteria: Invitae Variant Classification Sherloc (09022015). Collection method: clinical testing. Allele origin: germline.
Comment: This sequence change replaces valine, which is neutral and non-polar, with methionine, which is neutral and non-polar, at codon 80 of the PPP2R1A protein (p.Val80Met). This variant is not present in population databases (gnomAD no frequency). This variant has not been reported in the literature in individuals affected with PPP2R1A-related conditions. An algorithm developed to predict the effect of missense changes on protein structure and function (PolyPhen-2) suggests that this variant is likely to be disruptive. In summary, the available evidence is currently insufficient to determine the role of this variant in disease. Therefore, it has been classified as a Variant of Uncertain Significance.